The following is an entry in ClinVar:

ClinVar aggregate classification (germline): Uncertain significance (1 of 4 stars; one submission).

Conditions:
Inborn genetic diseases. Identifiers: MedGen C0950123, MeSH D030342.

Allele frequency attached by ClinVar (database versions not stated): gnomAD 0.00001.
gnomAD v4.1: 1 of 1,205,613 alleles (0.000083%); highest among the groups gnomAD compares: African/African-American, 0.0018%; no homozygotes.

Submission:

Ambry Genetics
Classification: Uncertain significance for Inborn genetic diseases. Last evaluated: 2024-02-15. Review status: criteria provided, single submitter. Criteria: Ambry Variant Classification Scheme 2023. Collection method: clinical testing. Allele origin: germline.
Comment: The c.673G>T (p.D225Y) alteration is located in exon 8 (coding exon 8) of the THOC2 gene. This alteration results from a G to T substitution at nucleotide position 673, causing the aspartic acid (D) at amino acid position 225 to be replaced by a tyrosine (Y). Based on data from gnomAD, the T allele has an overall frequency of 0.005% (1/21731) total alleles studied. The highest observed frequency was 0.017% (1/5848) of African alleles. This amino acid position is highly conserved in available vertebrate species. This alteration is predicted to be deleterious by in silico analysis. Based on insufficient or conflicting evidence, the clinical significance of this alteration remains unclear.

NM_001081550.2(THOC2):c.673G>T (p.Asp225Tyr)

Gene: THOC2 (THO complex subunit 2; minus strand). Cytogenetic location: Xq25.
Variant type: single nucleotide variant.
Coding change: c.673G>T on transcript NM_001081550.2 (MANE Select); coding-DNA position 673, G replaced by T.
Protein change: p.Asp225Tyr; replaces aspartic acid 225 with tyrosine.
Molecular consequence: missense variant.
Genome position (GRCh38, 1-based): chrX:123,686,643, C>A on the plus strand (G>T on the coding strand, the complement: THOC2 is on the minus strand). VCF-style: chrX-123686643-C-A. GRCh37 (hg19) VCF-style: chrX-122820493-C-A.
Other names: short protein forms D225Y.
Identifiers: ClinVar variation 3177086 (VCV003177086.1), dbSNP rs775992952, ClinGen allele CA414273963.